The following is an entry in ClinVar:

ClinVar aggregate classification (germline): Uncertain significance (1 of 4 stars; one submission).

Conditions:
Emery-Dreifuss muscular dystrophy 4, autosomal dominant (EDMD4). Also called: EMERY-DREIFUSS MUSCULAR DYSTROPHY 4 WITH VARIABLE FEATURES. Identifiers: Orphanet 261, MedGen C2751807, MONDO:0013071, OMIM 612998.
Autosomal recessive ataxia, Beauce type. Also called: SYNE1-Related Autosomal Recessive Cerebellar Ataxia; Spinocerebellar ataxia, autosomal recessive 8; ATAXIA, RECESSIVE, OF BEAUCE; SYNE1 Deficiency. Identifiers: Orphanet 88644, MedGen C1853116, MONDO:0012549, OMIM 610743.

Allele frequency attached by ClinVar (database versions not stated): gnomAD exomes 0.00001 and below 0.00001; gnomAD 0.00001.

Submission:

Labcorp Genetics (formerly Invitae), Labcorp
Classification: Uncertain significance for Emery-Dreifuss muscular dystrophy 4, autosomal dominant; Autosomal recessive ataxia, Beauce type. Last evaluated: 2022-09-07. Review status: criteria provided, single submitter. Criteria: Invitae Variant Classification Sherloc (09022015). Collection method: clinical testing. Allele origin: germline.
Comment: In summary, the available evidence is currently insufficient to determine the role of this variant in disease. Therefore, it has been classified as a Variant of Uncertain Significance. This sequence change replaces arginine, which is basic and polar, with glutamine, which is neutral and polar, at codon 7619 of the SYNE1 protein (p.Arg7619Gln). This variant is present in population databases (no rsID available, gnomAD 0.003%). This variant has not been reported in the literature in individuals affected with SYNE1-related conditions. ClinVar contains an entry for this variant (Variation ID: 1394985). Algorithms developed to predict the effect of missense changes on protein structure and function (SIFT, PolyPhen-2, Align-GVGD) all suggest that this variant is likely to be disruptive.

NM_182961.4(SYNE1):c.23069G>A (p.Arg7690Gln)

Gene: SYNE1 (spectrin repeat containing nuclear envelope protein 1; minus strand). Cytogenetic location: 6q25.2.
Variant type: single nucleotide variant.
Coding change: c.23069G>A on transcript NM_182961.4 (MANE Select); coding-DNA position 23069, G replaced by A.
Protein change: p.Arg7690Gln; replaces arginine 7690 with glutamine.
Molecular consequence: missense variant.
Genome position (GRCh38, 1-based): chr6:152,201,900, C>T on the plus strand (G>A on the coding strand, the complement: SYNE1 is on the minus strand). VCF-style: chr6-152201900-C-T. GRCh37 (hg19) VCF-style: chr6-152523035-C-T.
Other names: c.22856G>A, p.Arg7619Gln (NM_033071.5); short protein forms R7619Q, R7690Q.
Identifiers: ClinVar variation 1394985 (VCV001394985.8), dbSNP rs1204207131, ClinGen allele CA366092979.